The following is an entry in ClinVar:

NM_001171613.2(PREPL):c.266A>G (p.Asp89Gly)

Gene: PREPL (prolyl endopeptidase like; minus strand). Cytogenetic location: 2p21.
Variant type: single nucleotide variant.
Coding change: c.266A>G on transcript NM_001171613.2 (MANE Select); coding-DNA position 266, A replaced by G.
Protein change: p.Asp89Gly; replaces aspartic acid 89 with glycine.
Molecular consequence: missense variant.
Genome position (GRCh38, 1-based): chr2:44,343,828, T>C on the plus strand (A>G on the coding strand, the complement: PREPL is on the minus strand). VCF-style: chr2-44343828-T-C. GRCh37 (hg19) VCF-style: chr2-44570967-T-C.
Other names: c.533A>G, p.Asp178Gly (NM_001042385.2, NM_001042386.2, NM_001171603.1 and 4 more transcripts); c.266A>G, p.Asp89Gly (NM_001171617.1, NM_001374277.1); short protein forms D89G, D178G.
Identifiers: ClinVar variation 1373995 (VCV001373995.8), dbSNP rs760040766, ClinGen allele CA1641559.

ClinVar aggregate classification (germline): Uncertain significance (1 of 4 stars; one submission).

Conditions:
Myasthenic syndrome, congenital, 22 (CMS22). Also called: PREPL DEFICIENCY. Identifiers: MedGen C4479088, MONDO:0044299, OMIM 616224.

Allele frequency attached by ClinVar (database versions not stated): TOPMed below 0.00001; gnomAD exomes 0.00001; ExAC 0.00002; gnomAD 0.00003.
gnomAD v4.1: 15 of 1,613,862 alleles (0.00093%); highest among the groups gnomAD compares: Admixed American, 0.0017%; no homozygotes.

Submission:

Labcorp Genetics (formerly Invitae), Labcorp
Classification: Uncertain significance for Myasthenic syndrome, congenital, 22. Last evaluated: 2022-07-06. Review status: criteria provided, single submitter. Criteria: Invitae Variant Classification Sherloc (09022015). Collection method: clinical testing. Allele origin: germline.
Comment: In summary, the available evidence is currently insufficient to determine the role of this variant in disease. Therefore, it has been classified as a Variant of Uncertain Significance. Algorithms developed to predict the effect of sequence changes on RNA splicing suggest that this variant may create or strengthen a splice site. Algorithms developed to predict the effect of missense changes on protein structure and function (SIFT, PolyPhen-2, Align-GVGD) all suggest that this variant is likely to be tolerated. ClinVar contains an entry for this variant (Variation ID: 1373995). This variant has not been reported in the literature in individuals affected with PREPL-related conditions. This variant is present in population databases (rs760040766, gnomAD 0.003%). This sequence change replaces aspartic acid, which is acidic and polar, with glycine, which is neutral and non-polar, at codon 178 of the PREPL protein (p.Asp178Gly).